The following is an entry in ClinVar:

ClinVar aggregate classification (germline): Uncertain significance. Review status: criteria provided, multiple submitters, no conflicts (2 of 4 stars). 2 submissions from 2 submitters: Uncertain significance (2). Last evaluated 2025-12-09.

Allele frequency attached by ClinVar (database versions not stated): TOPMed 0.00002; gnomAD 0.00001; ExAC 0.00002.
gnomAD v4.1: 6 of 1,592,044 alleles (0.00038%); highest among the groups gnomAD compares: South Asian, 0.0011%; no homozygotes.

Submissions (2):

Labcorp Genetics (formerly Invitae), Labcorp
Classification: Uncertain significance. Last evaluated: 2025-12-09. Review status: criteria provided, single submitter. Criteria: Invitae Variant Classification Sherloc (09022015). Collection method: clinical testing. Allele origin: germline.
Comment: This sequence change replaces glutamic acid, which is acidic and polar, with lysine, which is basic and polar, at codon 163 of the FOXI3 protein (p.Glu163Lys). This variant is present in population databases (rs769538266, gnomAD 0.003%). This variant has not been reported in the literature in individuals affected with FOXI3-related conditions. ClinVar contains an entry for this variant (Variation ID: 2982035). Experimental studies and prediction algorithms are not available or were not evaluated, and the functional significance of this variant is currently unknown. In summary, the available evidence is currently insufficient to determine the role of this variant in disease. Therefore, it has been classified as a Variant of Uncertain Significance.

Breakthrough Genomics
Classification: Uncertain significance. Review status: criteria provided, single submitter. Criteria: ACMG Guidelines, 2015. Collection method: not provided. Allele origin: germline. Inheritance: Unknown mechanism. Affected: yes.

NM_001135649.3(FOXI3):c.487G>A (p.Glu163Lys)

Gene: FOXI3 (forkhead box I3; minus strand). Cytogenetic location: 2p11.2.
Variant type: single nucleotide variant.
Coding change: c.487G>A on transcript NM_001135649.3 (MANE Select); coding-DNA position 487, G replaced by A.
Protein change: p.Glu163Lys; replaces glutamic acid 163 with lysine.
Molecular consequence: missense variant.
Genome position (GRCh38, 1-based): chr2:88,452,049, C>T on the plus strand (G>A on the coding strand, the complement: FOXI3 is on the minus strand). VCF-style: chr2-88452049-C-T. GRCh37 (hg19) VCF-style: chr2-88751568-C-T.
Other names: short protein forms E163K.
Identifiers: ClinVar variation 2982035 (VCV002982035.4), dbSNP rs769538266, ClinGen allele CA1754032.